The following is an entry in ClinVar:

ClinVar aggregate classification (germline): Conflicting classifications of pathogenicity. Review status: criteria provided, conflicting classifications (1 of 4 stars). 2 submissions from 2 submitters: Likely pathogenic (1); Uncertain significance (1). Last evaluated 2024-02-29.

Conditions:
Deficiency of isobutyryl-CoA dehydrogenase. Also called: IBD DEFICIENCY; ACYL-CoA DEHYDROGENASE FAMILY, MEMBER 8, DEFICIENCY OF; ACAD8 DEFICIENCY. Identifiers: Orphanet 79159, MedGen C1969809, MONDO:0012648, OMIM 611283.

Allele frequency attached by ClinVar (database versions not stated): TOPMed 0.00001; gnomAD 0.00002 and 0.00003; gnomAD exomes 0.00002 and 0.00004; ExAC 0.00007; ESP Exome Variant Server 0.00008.
gnomAD v4.1: 38 of 1,614,050 alleles (0.0024%); highest among the groups gnomAD compares: Middle Eastern, 0.016%; no homozygotes.

Submissions (2):

Labcorp Genetics (formerly Invitae), Labcorp
Classification: Likely pathogenic for Deficiency of isobutyryl-CoA dehydrogenase. Last evaluated: 2024-02-29. Review status: criteria provided, single submitter. Criteria: Invitae Variant Classification Sherloc (09022015). Collection method: clinical testing. Allele origin: germline.
Comment: This sequence change replaces glycine, which is neutral and non-polar, with arginine, which is basic and polar, at codon 97 of the ACAD8 protein (p.Gly97Arg). This variant is present in population databases (rs371033488, gnomAD 0.02%). This missense change has been observed in individual(s) with isobutyryl-CoA dehydrogenase deficiency (PMID: 17304052, 24635911, 33432785). This variant is also known as p.G75R. ClinVar contains an entry for this variant (Variation ID: 281037). Advanced modeling of protein sequence and biophysical properties (such as structural, functional, and spatial information, amino acid conservation, physicochemical variation, residue mobility, and thermodynamic stability) performed at Invitae indicates that this missense variant is expected to disrupt ACAD8 protein function with a positive predictive value of 80%. In summary, the currently available evidence indicates that the variant is pathogenic, but additional data are needed to prove that conclusively. Therefore, this variant has been classified as Likely Pathogenic.

Eurofins Ntd Llc (ga)
Classification: Uncertain significance. Last evaluated: 2016-01-07. Review status: criteria provided, single submitter. Criteria: EGL Classification Definitions 2015. Collection method: clinical testing. Allele origin: germline. Observed: 5 variant alleles, 5 heterozygotes.

Literature cited by the submitters: PubMed 17304052 (cited by Labcorp Genetics (formerly Invitae), Labcorp); PubMed 24635911 (cited by Labcorp Genetics (formerly Invitae), Labcorp); PubMed 33432785 (cited by Labcorp Genetics (formerly Invitae), Labcorp).

NM_014384.3(ACAD8):c.289G>A (p.Gly97Arg)

Gene: ACAD8 (acyl-CoA dehydrogenase family member 8; plus strand). Cytogenetic location: 11q25.
Variant type: single nucleotide variant.
Coding change: c.289G>A on transcript NM_014384.3 (MANE Select); coding-DNA position 289, G replaced by A.
Protein change: p.Gly97Arg; replaces glycine 97 with arginine.
Molecular consequence: missense variant.
Genome position (GRCh38, 1-based): chr11:134,257,166, G>A. VCF-style: chr11-134257166-G-A. GRCh37 (hg19) VCF-style: chr11-134127060-G-A.
Other names: short protein forms G97R.
Identifiers: ClinVar variation 281037 (VCV000281037.9), dbSNP rs371033488, ClinGen allele CA6372897.